The following is an entry in ClinVar:

ClinVar aggregate classification (germline): Likely benign. Review status: criteria provided, single submitter (1 of 4 stars). 2 submissions from 2 submitters: Likely benign (1). 1 of the submissions does not count toward it. Last evaluated 2022-12-01.

Conditions:
BLTP1-related disorder. Also called: BLTP1-related condition.

Allele frequency attached by ClinVar (database versions not stated): gnomAD exomes 0.00013; TOPMed 0.00015; 1000 Genomes Project 30x 0.00016; ESP Exome Variant Server 0.00016; 1000 Genomes Project 0.00020; ExAC 0.00022; gnomAD 0.00028.
gnomAD v4.1: 238 of 1,614,032 alleles (0.015%); highest among the groups gnomAD compares: Non-Finnish European, 0.018%; no homozygotes.

Submissions (2):

CeGaT Center for Human Genetics Tuebingen
Classification: Likely benign. Last evaluated: 2022-12-01. Review status: criteria provided, single submitter. Criteria: CeGaT Center For Human Genetics Tuebingen Variant Classification Criteria Version 2. Collection method: clinical testing. Allele origin: germline. Affected: yes. Observed: 1 variant allele.
Comment: BLTP1: BP4, BP7

PreventionGenetics, part of Exact Sciences
Classification: Likely benign for BLTP1-related condition. Last evaluated: 2019-02-22. Review status: no assertion criteria provided. Collection method: clinical testing. Allele origin: germline. Not counted in ClinVar's aggregate classification.
Comment: This variant is classified as likely benign based on ACMG/AMP sequence variant interpretation guidelines (Richards et al. 2015 PMID: 25741868, with internal and published modifications).

NM_001384125.1(BLTP1):c.2736C>T (p.Tyr912=)

Gene: BLTP1 (bridge-like lipid transfer protein family member 1; plus strand). Cytogenetic location: 4q27.
Variant type: single nucleotide variant.
Coding change: c.2736C>T on transcript NM_001384125.1 (MANE Select); coding-DNA position 2736, C replaced by T.
Protein change: p.Tyr912=; no amino-acid change (tyrosine 912 retained).
Molecular consequence: synonymous variant.
Genome position (GRCh38, 1-based): chr4:122,224,620, C>T. VCF-style: chr4-122224620-C-T. GRCh37 (hg19) VCF-style: chr4-123145775-C-T.
Other names: c.2736C>T, p.Tyr912= (NM_015312.4); c.2736C>T (NM_015312.3).
Identifiers: ClinVar variation 2655065 (VCV002655065.25), dbSNP rs371662693, ClinGen allele CA3065970.